The following is an entry in ClinVar:

NM_005876.5(SPEG):c.2866C>T (p.Arg956Cys)

Gene: SPEG (striated muscle enriched protein kinase; plus strand). Cytogenetic location: 2q35.
Variant type: single nucleotide variant.
Coding change: c.2866C>T on transcript NM_005876.5 (MANE Select); coding-DNA position 2866, C replaced by T.
Protein change: p.Arg956Cys; replaces arginine 956 with cysteine.
Molecular consequence: missense variant.
Genome position (GRCh38, 1-based): chr2:219,464,593, C>T. VCF-style: chr2-219464593-C-T. GRCh37 (hg19) VCF-style: chr2-220329315-C-T.
Other names: c.319C>T, p.Arg107Cys (NM_001173476.2); short protein forms R107C, R956C.
Identifiers: ClinVar variation 1981546 (VCV001981546.2), dbSNP rs749359893, ClinGen allele CA2125968.

ClinVar aggregate classification (germline): Uncertain significance. Review status: criteria provided, multiple submitters, no conflicts (2 of 4 stars). 2 submissions from 2 submitters: Uncertain significance (2). Last evaluated 2023-12-01.

Conditions:
Myopathy, centronuclear, 5 (CNM5). Identifiers: Orphanet 169186, MedGen C4014814, MONDO:0014418, OMIM 615959.

Allele frequency attached by ClinVar (database versions not stated): gnomAD exomes 0.00008; TOPMed 0.00003; gnomAD 0.00003; ExAC 0.00005.
gnomAD v4.1: 112 of 1,613,948 alleles (0.0069%); highest among the groups gnomAD compares: Non-Finnish European, 0.0088%; no homozygotes.

Submissions (2):

Revvity Omics, Revvity
Classification: Uncertain significance for Myopathy, centronuclear, 5. Last evaluated: 2023-12-01. Review status: criteria provided, single submitter. Criteria: ACMG Guidelines, 2015. Collection method: clinical testing. Allele origin: germline.

Labcorp Genetics (formerly Invitae), Labcorp
Classification: Uncertain significance. Last evaluated: 2022-07-09. Review status: criteria provided, single submitter. Criteria: Invitae Variant Classification Sherloc (09022015). Collection method: clinical testing. Allele origin: germline.
Comment: This sequence change replaces arginine, which is basic and polar, with cysteine, which is neutral and slightly polar, at codon 956 of the SPEG protein (p.Arg956Cys). This variant is present in population databases (rs749359893, gnomAD 0.008%). This variant has not been reported in the literature in individuals affected with SPEG-related conditions. Algorithms developed to predict the effect of missense changes on protein structure and function are either unavailable or do not agree on the potential impact of this missense change (SIFT: "Deleterious"; PolyPhen-2: "Probably Damaging"; Align-GVGD: "Class C0"). In summary, the available evidence is currently insufficient to determine the role of this variant in disease. Therefore, it has been classified as a Variant of Uncertain Significance.